The following is an entry in ClinVar:

NM_002476.2(MYL4):c.344C>T (p.Thr115Met)

Gene: MYL4 (myosin light chain 4; plus strand). Cytogenetic location: 17q21.32.
Variant type: single nucleotide variant.
Coding change: c.344C>T on transcript NM_002476.2 (MANE Select); coding-DNA position 344, C replaced by T.
Protein change: p.Thr115Met; replaces threonine 115 with methionine.
Molecular consequence: missense variant.
Genome position (GRCh38, 1-based): chr17:47,221,712, C>T. VCF-style: chr17-47221712-C-T. GRCh37 (hg19) VCF-style: chr17-45299078-C-T.
Other names: c.344C>T, p.Thr115Met (NM_001002841.2); short protein forms T115M.
Identifiers: ClinVar variation 1010457 (VCV001010457.8), dbSNP rs199794933, ClinGen allele CA8622722.
Genomic context (GRCh38, chr17:47,221,712, plus strand): 5'-TTTCTCTTTCTTTACCCTGCCTGCCTGAAGAGATGAATGTCAAGATGCTGGACTTTGAGA[C>T]GTTCTTGCCCATCCTGCAGCACATTTCCCGCAACAAGGAGCAGGGCACCTATGAGGACTT-3'
Protein context (NP_002467.1, residues 105-125): EMNVKMLDFE[Thr115Met]FLPILQHISR

ClinVar aggregate classification (germline): Uncertain significance (1 of 4 stars; one submission).

Conditions:
Atrial fibrillation, familial, 18 (ATFB18). Identifiers: MedGen C4310636, MONDO:0015001, OMIM 617280.

Allele frequency attached by ClinVar (database versions not stated): gnomAD exomes 0.00001 and 0.00002; ExAC 0.00002; gnomAD 0.00002; TOPMed 0.00002.
gnomAD v4.1: 22 of 1,613,636 alleles (0.0014%); highest among the groups gnomAD compares: South Asian, 0.0044%; no homozygotes.

Submission:

Labcorp Genetics (formerly Invitae), Labcorp
Classification: Uncertain significance for Atrial fibrillation, familial, 18. Last evaluated: 2025-05-22. Review status: criteria provided, single submitter. Criteria: Invitae Variant Classification Sherloc (09022015). Collection method: clinical testing. Allele origin: germline.
Comment: This sequence change replaces threonine, which is neutral and polar, with methionine, which is neutral and non-polar, at codon 115 of the MYL4 protein (p.Thr115Met). This variant is present in population databases (rs199794933, gnomAD 0.007%). This variant has not been reported in the literature in individuals affected with MYL4-related conditions. ClinVar contains an entry for this variant (Variation ID: 1010457). An algorithm developed to predict the effect of missense changes on protein structure and function outputs the following: PolyPhen-2: "Benign". The methionine amino acid residue is found in multiple mammalian species, which suggests that this missense change does not adversely affect protein function. In summary, the available evidence is currently insufficient to determine the role of this variant in disease. Therefore, it has been classified as a Variant of Uncertain Significance.